The following is an entry in ClinVar:

ClinVar aggregate classification (germline): Uncertain significance. Review status: criteria provided, multiple submitters, no conflicts (2 of 4 stars). 2 submissions from 2 submitters: Uncertain significance (2). Last evaluated 2025-01-27.

Conditions:
Inborn genetic diseases. Identifiers: MedGen C0950123, MeSH D030342.

Allele frequency attached by ClinVar (database versions not stated): ExAC 0.00001; gnomAD 0.00003; TOPMed 0.00004; ESP Exome Variant Server 0.00008.
gnomAD v4.1: 6 of 1,614,058 alleles (0.00037%); highest among the groups gnomAD compares: African/African-American, 0.0067%; no homozygotes.

Submissions (2):

Labcorp Genetics (formerly Invitae), Labcorp
Classification: Uncertain significance. Last evaluated: 2025-01-27. Review status: criteria provided, single submitter. Criteria: Invitae Variant Classification Sherloc (09022015). Collection method: clinical testing. Allele origin: germline.
Comment: This sequence change replaces alanine, which is neutral and non-polar, with glycine, which is neutral and non-polar, at codon 393 of the CDHR1 protein (p.Ala393Gly). This variant is present in population databases (rs376238935, gnomAD 0.01%). This variant has not been reported in the literature in individuals affected with CDHR1-related conditions. ClinVar contains an entry for this variant (Variation ID: 1922216). Invitae Evidence Modeling of protein sequence and biophysical properties (such as structural, functional, and spatial information, amino acid conservation, physicochemical variation, residue mobility, and thermodynamic stability) indicates that this missense variant is not expected to disrupt CDHR1 protein function with a negative predictive value of 80%. In summary, the available evidence is currently insufficient to determine the role of this variant in disease. Therefore, it has been classified as a Variant of Uncertain Significance.

Ambry Genetics
Classification: Uncertain significance for Inborn genetic diseases. Last evaluated: 2022-10-12. Review status: criteria provided, single submitter. Criteria: Ambry Variant Classification Scheme 2023. Collection method: clinical testing. Allele origin: germline.

NM_033100.4(CDHR1):c.1178C>G (p.Ala393Gly)

Gene: CDHR1 (cadherin related family member 1; plus strand). Cytogenetic location: 10q23.1.
Variant type: single nucleotide variant.
Coding change: c.1178C>G on transcript NM_033100.4 (MANE Select); coding-DNA position 1178, C replaced by G.
Protein change: p.Ala393Gly; replaces alanine 393 with glycine.
Molecular consequence: missense variant.
Genome position (GRCh38, 1-based): chr10:84,208,739, C>G. VCF-style: chr10-84208739-C-G. GRCh37 (hg19) VCF-style: chr10-85968495-C-G.
Other names: c.1178C>G, p.Ala393Gly (NM_001171971.3); short protein forms A393G.
Identifiers: ClinVar variation 1922216 (VCV001922216.5), dbSNP rs376238935, ClinGen allele CA5579876.